The following is an entry in ClinVar:

ClinVar aggregate classification (germline): Uncertain significance (1 of 4 stars; one submission).

Conditions:
Hereditary sensory neuropathy-deafness-dementia syndrome. Also called: Hereditary Sensory and Autonomic Neuropathy Type 1E (HSAN1E); NEUROPATHY, HEREDITARY SENSORY, WITH HEARING LOSS AND DEMENTIA; HSN IE; Hereditary sensory neuropathy type IE. Identifiers: Orphanet 456318, MedGen C3279885, MONDO:0013584, OMIM 614116.

Submission:

Labcorp Genetics (formerly Invitae), Labcorp
Classification: Uncertain significance for Hereditary sensory neuropathy-deafness-dementia syndrome. Last evaluated: 2022-09-03. Review status: criteria provided, single submitter. Criteria: Invitae Variant Classification Sherloc (09022015). Collection method: clinical testing. Allele origin: germline.
Comment: In summary, the available evidence is currently insufficient to determine the role of this variant in disease. Therefore, it has been classified as a Variant of Uncertain Significance. Algorithms developed to predict the effect of missense changes on protein structure and function are either unavailable or do not agree on the potential impact of this missense change (SIFT: "Deleterious"; PolyPhen-2: "Probably Damaging"; Align-GVGD: "Class C0"). This variant has not been reported in the literature in individuals affected with DNMT1-related conditions. This variant is not present in population databases (gnomAD no frequency). This sequence change replaces glycine, which is neutral and non-polar, with aspartic acid, which is acidic and polar, at codon 952 of the DNMT1 protein (p.Gly952Asp).

NM_001130823.3(DNMT1):c.2855G>A (p.Gly952Asp)

Gene: DNMT1 (DNA methyltransferase 1; minus strand). Cytogenetic location: 19p13.2.
Variant type: single nucleotide variant.
Coding change: c.2855G>A on transcript NM_001130823.3 (MANE Select); coding-DNA position 2855, G replaced by A.
Protein change: p.Gly952Asp; replaces glycine 952 with aspartic acid.
Molecular consequence: missense variant.
Genome position (GRCh38, 1-based): chr19:10,146,390, C>T on the plus strand (G>A on the coding strand, the complement: DNMT1 is on the minus strand). VCF-style: chr19-10146390-C-T. GRCh37 (hg19) VCF-style: chr19-10257066-C-T.
Other names: c.2807G>A, p.Gly936Asp (NM_001318730.2, NM_001379.4); c.2492G>A, p.Gly831Asp (NM_001318731.2); short protein forms G936D, G952D, G831D.
Identifiers: ClinVar variation 2079752 (VCV002079752.4), dbSNP rs1568228055, ClinGen allele CA403976168.